The following is an entry in ClinVar:

NM_032802.4(SPPL2A):c.416T>C (p.Phe139Ser)

Gene: SPPL2A (signal peptide peptidase like 2A; minus strand). Cytogenetic location: 15q21.2.
Variant type: single nucleotide variant.
Coding change: c.416T>C on transcript NM_032802.4 (MANE Select); coding-DNA position 416, T replaced by C.
Protein change: p.Phe139Ser; replaces phenylalanine 139 with serine.
Molecular consequence: missense variant.
Genome position (GRCh38, 1-based): chr15:50,748,147, A>G on the plus strand (T>C on the coding strand, the complement: SPPL2A is on the minus strand). VCF-style: chr15-50748147-A-G. GRCh37 (hg19) VCF-style: chr15-51040344-A-G.
Other names: short protein forms F139S.
Identifiers: ClinVar variation 2730415 (VCV002730415.3), dbSNP rs770415965, ClinGen allele CA392413950.

ClinVar aggregate classification (germline): Uncertain significance (1 of 4 stars; one submission).

Submission:

Labcorp Genetics (formerly Invitae), Labcorp
Classification: Uncertain significance. Last evaluated: 2023-05-26. Review status: criteria provided, single submitter. Criteria: Invitae Variant Classification Sherloc (09022015). Collection method: clinical testing. Allele origin: germline.
Comment: In summary, the available evidence is currently insufficient to determine the role of this variant in disease. Therefore, it has been classified as a Variant of Uncertain Significance. An algorithm developed to predict the effect of missense changes on protein structure and function (PolyPhen-2) suggests that this variant is likely to be tolerated. This variant has not been reported in the literature in individuals affected with SPPL2A-related conditions. This variant is not present in population databases (gnomAD no frequency). This sequence change replaces phenylalanine, which is neutral and non-polar, with serine, which is neutral and polar, at codon 139 of the SPPL2A protein (p.Phe139Ser).